The following is an entry in ClinVar:

ClinVar aggregate classification (germline): Uncertain significance. Review status: criteria provided, multiple submitters, no conflicts (2 of 4 stars). 2 submissions from 2 submitters: Uncertain significance (2). Last evaluated 2022-07-18.

Allele frequency attached by ClinVar (database versions not stated): gnomAD 0.00001; gnomAD exomes 0.00001; TOPMed 0.00001.
gnomAD v4.1: 10 of 1,611,790 alleles (0.00062%); highest among the groups gnomAD compares: African/African-American, 0.0067%; no homozygotes.

Submissions (2):

Labcorp Genetics (formerly Invitae), Labcorp
Classification: Uncertain significance. Last evaluated: 2022-07-18. Review status: criteria provided, single submitter. Criteria: Invitae Variant Classification Sherloc (09022015). Collection method: clinical testing. Allele origin: germline.
Comment: This sequence change replaces proline, which is neutral and non-polar, with histidine, which is basic and polar, at codon 270 of the COL9A1 protein (p.Pro270His). This variant is present in population databases (no rsID available, gnomAD 0.007%). This variant has not been reported in the literature in individuals affected with COL9A1-related conditions. ClinVar contains an entry for this variant (Variation ID: 423165). Advanced modeling of protein sequence and biophysical properties (such as structural, functional, and spatial information, amino acid conservation, physicochemical variation, residue mobility, and thermodynamic stability) performed at Invitae indicates that this missense variant is not expected to disrupt COL9A1 protein function. In summary, the available evidence is currently insufficient to determine the role of this variant in disease. Therefore, it has been classified as a Variant of Uncertain Significance.

GeneDx
Classification: Uncertain significance. Last evaluated: 2021-04-07. Review status: criteria provided, single submitter. Criteria: GeneDx Variant Classification Process June 2021. Collection method: clinical testing. Allele origin: germline. Affected: yes.
Comment: Has not been previously published as pathogenic or benign to our knowledge; Not observed at a significant frequency in large population cohorts (Lek et al., 2016); In silico analysis supports that this missense variant has a deleterious effect on protein structure/function; Reported in ClinVar but additional evidence is not available (ClinVar Variant ID#423165; Landrum et al., 2016)

NM_001851.6(COL9A1):c.809C>A (p.Pro270His)

Gene: COL9A1 (collagen type IX alpha 1 chain; minus strand). Cytogenetic location: 6q13.
Variant type: single nucleotide variant.
Coding change: c.809C>A on transcript NM_001851.6 (MANE Select); coding-DNA position 809, C replaced by A.
Protein change: p.Pro270His; replaces proline 270 with histidine.
Molecular consequence: missense variant. On other transcripts: non-coding transcript variant (1).
Genome position (GRCh38, 1-based): chr6:70,281,457, G>T on the plus strand (C>A on the coding strand, the complement: COL9A1 is on the minus strand). VCF-style: chr6-70281457-G-T. GRCh37 (hg19) VCF-style: chr6-70991160-G-T.
Other names: c.80C>A, p.Pro27His (NM_001377289.1, NM_001377290.1, NM_078485.4); c.809C>A, p.Pro270His (NM_001377291.1); short protein forms P270H, P27H.
Identifiers: ClinVar variation 423165 (VCV000423165.7), dbSNP rs1032154290, ClinGen allele CA16618302.